The following is an entry in ClinVar:

ClinVar aggregate classification (germline): Uncertain significance (1 of 4 stars; one submission).

Conditions:
Joubert syndrome. Also called: CEREBELLOPARENCHYMAL DISORDER IV; JOUBERT-BOLTSHAUSER SYNDROME; Familial aplasia of the vermis. Identifiers: Orphanet 475, MedGen C5979921, MONDO:0018772.
Orofaciodigital syndrome I (OFD1). Also called: OFDS I; Papillon-Leage and Psaume Syndrome; Oral-Facial-Digital Syndrome Type I. Identifiers: Orphanet 2750, MedGen C1510460, MONDO:0010702, OMIM 311200.

Submission:

Labcorp Genetics (formerly Invitae), Labcorp
Classification: Uncertain significance for Orofaciodigital syndrome I; Joubert syndrome. Last evaluated: 2022-06-13. Review status: criteria provided, single submitter. Criteria: Invitae Variant Classification Sherloc (09022015). Collection method: clinical testing. Allele origin: germline.
Comment: In summary, the available evidence is currently insufficient to determine the role of this variant in disease. Therefore, it has been classified as a Variant of Uncertain Significance. Algorithms developed to predict the effect of sequence changes on RNA splicing suggest that this variant may create or strengthen a splice site. Algorithms developed to predict the effect of missense changes on protein structure and function output the following: SIFT: "Tolerated"; PolyPhen-2: "Benign"; Align-GVGD: "Class C0". The arginine amino acid residue is found in multiple mammalian species, which suggests that this missense change does not adversely affect protein function. This variant has not been reported in the literature in individuals affected with OFD1-related conditions. This variant is not present in population databases (gnomAD no frequency). This sequence change replaces lysine, which is basic and polar, with arginine, which is basic and polar, at codon 352 of the OFD1 protein (p.Lys352Arg).

NM_003611.3(OFD1):c.1055A>G (p.Lys352Arg)

Gene: OFD1 (OFD1 centriole and centriolar satellite protein; plus strand). Cytogenetic location: Xp22.2.
Variant type: single nucleotide variant.
Coding change: c.1055A>G on transcript NM_003611.3 (MANE Select); coding-DNA position 1055, A replaced by G.
Protein change: p.Lys352Arg; replaces lysine 352 with arginine.
Molecular consequence: missense variant. On other transcripts: intron variant (1).
Genome position (GRCh38, 1-based): chrX:13,751,368, A>G. VCF-style: chrX-13751368-A-G. GRCh37 (hg19) VCF-style: chrX-13769487-A-G.
Other names: c.635A>G, p.Lys212Arg (NM_001330210.2); c.935+1835A>G (NM_001330209.2); short protein forms K212R, K352R.
Identifiers: ClinVar variation 1521606 (VCV001521606.6), dbSNP rs779494159, ClinGen allele CA412340239.